The following is an entry in ClinVar:

NM_002878.4(RAD51D):c.904-3C>T

Genes: RAD51L3-RFFL (RAD51L3-RFFL readthrough; minus strand), RAD51D (RAD51 paralog D; minus strand). Cytogenetic location: 17q12.
Variant type: single nucleotide variant.
Coding change: c.904-3C>T on transcript NM_002878.4 (MANE Select); 3 bases into the intron before coding-DNA position 904, C replaced by T.
Molecular consequence: intron variant.
Genome position (GRCh38, 1-based): chr17:35,101,039, G>A on the plus strand (C>T on the coding strand, the complement: RAD51D is on the minus strand). VCF-style: chr17-35101039-G-A. GRCh37 (hg19) VCF-style: chr17-33428058-G-A.
Other names: c.568-3C>T (NM_133629.3); c.964-3C>T (NM_001142571.2).
Identifiers: ClinVar variation 138877 (VCV000138877.74), dbSNP rs45478491, ClinGen allele CA294182.
Genomic context (GRCh38, chr17:35,101,039, plus strand): 5'-CACTCTGCTCTGAGGTCCCCCAGGTCCCAATGTCTACCATCTCCTGGAAACCTGTTGGCT[G>A]GAAGAAGAAGTAAGGAGTCAGTGGAGTTAAGCAACCCAAGTGGGTAGCTTCTTTAGTTGC-3'

ClinVar aggregate classification (germline): Conflicting classifications of pathogenicity. Review status: criteria provided, conflicting classifications (1 of 4 stars). 19 submissions from 19 submitters: Uncertain significance (3); Benign (3); Likely benign (10). 3 of the submissions do not count toward it. Last evaluated 2026-01-31.

Conditions:
Hereditary cancer-predisposing syndrome. Also called: Tumor predisposition; Hereditary neoplastic syndrome; Hereditary Cancer Syndrome; Neoplastic Syndromes, Hereditary. Identifiers: Orphanet 140162, MedGen C0027672, MeSH D009386, MONDO:0015356.
Breast-ovarian cancer, familial, susceptibility to, 4. Identifiers: Orphanet 145, MedGen C3280345, MONDO:0013669, OMIM 614291.
Malignant tumor of breast. Also called: Cancer breast; Malignant breast neoplasm. Identifiers: MedGen C0006142, MONDO:0007254. Disease mechanism: loss of function.

Allele frequency attached by ClinVar (database versions not stated): gnomAD 0.00014 and 0.00018; ExAC 0.00023; ESP Exome Variant Server 0.00023; gnomAD exomes 0.00024 and 0.00033; TOPMed 0.00028.

Submissions (19):

Labcorp Genetics (formerly Invitae), Labcorp
Classification: Likely benign for Breast-ovarian cancer, familial, susceptibility to, 4. Last evaluated: 2026-01-31. Review status: criteria provided, single submitter. Criteria: Invitae Variant Classification Sherloc (09022015). Collection method: clinical testing. Allele origin: germline.

CeGaT Center for Human Genetics Tuebingen
Classification: Likely benign. Last evaluated: 2026-01-01. Review status: criteria provided, single submitter. Criteria: CeGaT Center For Human Genetics Tuebingen Variant Classification Criteria Version 2. Collection method: clinical testing. Allele origin: germline. Affected: yes. Observed: 4 variant alleles.
Comment: RAD51D: BP4, BS1

Dasa
Classification: Benign. Last evaluated: 2025-11-04. Review status: criteria provided, single submitter. Criteria: DASA Assertion Criteria. Collection method: clinical testing. Allele origin: germline.
Comment: NM_002878.4(RAD51D):c.904-3C>T is a splice-region variant. Population frequency is inconsistent with a disease-causing role for this variant, and the variant context is inconsistent with a known disease-causing mechanism. Computational prediction algorithms are consistent with a benign effect. Therefore, based on the currently available evidence, this variant is classified as benign.

Molecular Diagnostics Laboratory, Catalan Institute of Oncology
Classification: Likely benign for Hereditary cancer-predisposing syndrome. Last evaluated: 2025-07-03. Review status: criteria provided, single submitter. Criteria: ACMG Guidelines, 2015. Collection method: clinical testing. Allele origin: germline.
Comment: BP4, BP7 RAD51D:c.904-3C>T is an intronic variant located close to the last exon canonical splice site.This variant is found in 61/268346 alleles at a frequency of 0.023% in the gnomAD v2.1.1 database, non-cancer dataset. The SpliceAI algorithm predicts no significant impact on splicing (BP4). An mRNA assay showed that this variant has no effect on splicing (PMID: 31843900) (BP7). This variant has been reported in the ClinVar database (3x benign, 9x likely benign, 4x uncertain significance) and in LOVD (4x likely benign). Based on currently available information, the variant c.904-3C>T should be considered a likely benign variant according to ACMG/AMP classification guidelines.

Center for Genomic Medicine, Rigshospitalet, Copenhagen University Hospital
Classification: Uncertain significance. Last evaluated: 2025-03-04. Review status: criteria provided, single submitter. Criteria: ACMG Guidelines, 2015. Collection method: clinical testing. Allele origin: germline.

Myriad Genetics, Inc.
Classification: Likely benign for Breast-ovarian cancer, familial, susceptibility to, 4. Last evaluated: 2024-12-13. Review status: criteria provided, single submitter. Criteria: Myriad Autosomal Dominant, Autosomal Recessive and X-Linked Classification Criteria (2023). Collection method: clinical testing. Allele origin: unknown.
Comment: This variant is considered likely benign. This variant is intronic and is not expected to impact mRNA splicing. This variant is strongly associated with less severe personal and family histories of cancer, typical for individuals without pathogenic variants in this gene [PMID: 25085752].

Blueprint Genetics
Classification: Likely benign. Last evaluated: 2024-11-26. Review status: criteria provided, single submitter. Criteria: ACMG Guidelines, 2015. Collection method: clinical testing. Allele origin: germline.

Quest Diagnostics Nichols Institute San Juan Capistrano
Classification: Likely benign. Last evaluated: 2022-11-04. Review status: criteria provided, single submitter. Criteria: Quest Diagnostics criteria. Collection method: clinical testing. Allele origin: unknown.

Women's Health and Genetics/Laboratory Corporation of America, LabCorp
Classification: Benign. Last evaluated: 2021-10-25. Review status: criteria provided, single submitter. Criteria: LabCorp Variant Classification Summary - May 2015. Collection method: clinical testing. Allele origin: germline.
Comment: Variant summary: RAD51D c.904-3C>T alters a non-conserved nucleotide located close to a canonical splice site and therefore could affect mRNA splicing, leading to a significantly altered protein sequence. 4/4 computational tools predict no significant impact on normal splicing. Experimental evidence supports these predictions indicating the variant has no effect on splicing (Casadei_2019). The variant allele was found at a frequency of 0.00024 in 253596 control chromosomes, predominantly at a frequency of 0.00044 within the Non-Finnish European subpopulation in the gnomAD database. The observed variant frequency within Non-Finnish European control individuals in the gnomAD database is approximately 3.5-fold of the estimated maximal expected allele frequency for a pathogenic variant in RAD51D causing Hereditary Breast And Ovarian Cancer Syndrome phenotype (0.00013), strongly suggesting that the variant is a benign polymorphism found primarily in populations of Non-Finnish European origin. The variant, c.904-3C>T, has been reported in the literature in individuals affected with Hereditary Breast and Ovarian Cancer, Lynch Syndrome and pancreatic ductal adenocarcinoma (Osher_2012, Tung_2015, Yurgelun_2015, Chaffee_2018), however it was also observed in controls (Loveday_2011). These reports do not provide unequivocal conclusions about association of the variant with Hereditary Breast And Ovarian Cancer Syndrome. Six ClinVar submitters (evaluation after 2014) cite the variant as benign/likely benign and five ClinVar submitters (evaluation after 2014) cite it as uncertain significance. Based on the evidence outlined above, the variant was classified as benign.

Sema4
Classification: Likely benign for Hereditary cancer-predisposing syndrome. Last evaluated: 2021-07-02. Review status: criteria provided, single submitter. Criteria: Sema4 Curation Guidelines. Collection method: curation. Allele origin: germline.

Institute of Human Genetics, University of Leipzig Medical Center
Classification: Uncertain significance for Breast-ovarian cancer, familial, susceptibility to, 4. Last evaluated: 2021-01-05. Review status: criteria provided, single submitter. Criteria: ACMG Guidelines, 2015. Collection method: clinical testing. Allele origin: unknown. Affected: yes.

Mendelics
Classification: Uncertain significance for Breast-ovarian cancer, familial, susceptibility to, 4. Last evaluated: 2019-05-28. Review status: criteria provided, single submitter. Criteria: Mendelics Assertion Criteria 2017. Collection method: clinical testing. Allele origin: unknown.

Ambry Genetics
Classification: Likely benign for Hereditary cancer-predisposing syndrome. Last evaluated: 2018-09-19. Review status: criteria provided, single submitter. Criteria: Ambry Variant Classification Scheme 2023. Collection method: clinical testing. Allele origin: germline.

PreventionGenetics, part of Exact Sciences
Classification: Likely benign. Last evaluated: 2017-12-06. Review status: criteria provided, single submitter. Criteria: ACMG Guidelines, 2015. Collection method: clinical testing. Allele origin: germline.

Color Diagnostics, LLC DBA Color Health
Classification: Likely benign for Hereditary cancer-predisposing syndrome. Last evaluated: 2016-04-11. Review status: criteria provided, single submitter. Criteria: ACMG Guidelines, 2015. Collection method: clinical testing. Allele origin: germline.

GeneDx
Classification: Benign. Last evaluated: 2014-02-26. Review status: criteria provided, single submitter. Criteria: GeneDx Variant Classification (06012015). Collection method: clinical testing. Allele origin: germline. Affected: yes.
Comment: This variant is considered likely benign or benign based on one or more of the following criteria: it is a conservative change, it occurs at a poorly conserved position in the protein, it is predicted to be benign by multiple in silico algorithms, and/or has population frequency not consistent with disease.

King Laboratory, University of Washington
Classification: Benign. Last evaluated: 2019-09-01. Review status: no assertion criteria provided. Collection method: research. Allele origin: germline. Affected: yes. Not counted in ClinVar's aggregate classification.
Comment: Transcript analysis by cBROCA

Counsyl
Classification: Uncertain significance for Breast-ovarian cancer, familial, susceptibility to, 4. Last evaluated: 2016-07-18. Review status: no assertion criteria provided. Collection method: clinical testing. Allele origin: unknown. Not counted in ClinVar's aggregate classification.

Department of Pathology and Laboratory Medicine, Sinai Health System
Classification: Likely benign for Malignant tumor of breast. Review status: no assertion criteria provided. Collection method: clinical testing. Allele origin: unknown. Affected: yes. Study: The Canadian Open Genetics Repository (COGR). Not counted in ClinVar's aggregate classification.
Comment: The RAD51D c.904-3C>T variant was identified in 3 of 9008 proband chromosomes (frequency: 0.0003) from individuals or families with colorectal, breast and ovarian cancer and was present in 1 of 2120 control chromosomes (frequency: 0.004) from healthy individuals (Yurgelun 2015, Osher 2012, Tung 2015, Loveday 2011). The variant was identified in dbSNP (rs45478491) as â€šÃ„Ãºwith uncertain significance alleleâ€šÃ„Ã¹ and ClinVar (classified as likely benign by Ambry Genetics, Color and 2 other submitters and uncertain significance by Invitae, Counsyl and 1 other submitter and benign by GeneDx). The variant was identified in control databases in 63 of 277,232 chromosomes at a frequency of 0.0002 (Genome Aggregation Database Feb 27, 2017). The variant was observed in the following populations: African in 4 of 24,038 chromosomes (freq: 0.0002), Other in 2 of 6468 chromosomes (freq: 0.0003), Latino in 7 of 34,420 chromosomes (freq: 0.0002), European in 50 of 126,710 chromosomes (freq: 0.0004), but was not observed in the Ashkenazi Jewish, East Asian, Finnish and South Asian populations. The c.904-3C>T variant is located in the 3' splice region but does not affect the invariant -1 and -2 positions. However, positions -3 and -5 to -12 are part of the splicing consensus sequence and variants involving these positions sometimes affect splicing. The variant occurs at a non-conserved nucleotide and 4 out of 4 in silico or computational prediction software programs (SpliceSiteFinder, MaxEntScan, NNSPLICE, GeneSplicer) do not predict a difference in splicing. In summary, based on the above information the clinical significance of this variant cannot be determined with certainty at this time although we would lean towards a more benign role for this variant. This variant is classified as likely benign.

Literature cited by the submitters: PubMed 25186627 (cited by 4 submitters); PubMed 25980754 (cited by 4 submitters); PubMed 21822267 (cited by 5 submitters); PubMed 31843900 (cited by 4 submitters); PubMed 25085752 (cited by Myriad Genetics, Inc.); PubMed 22415235 (cited by 3 submitters); PubMed 28726808 (cited by Quest Diagnostics Nichols Institute San Juan Capistrano and Women's Health and Genetics/Laboratory Corporation of America, LabCorp); PubMed 28301460 (cited by Women's Health and Genetics/Laboratory Corporation of America, LabCorp).